The following is an entry in ClinVar:

NM_006059.4(LAMC3):c.3614G>A (p.Arg1205Gln)

Gene: LAMC3 (laminin subunit gamma 3; plus strand). Cytogenetic location: 9q34.12.
Variant type: single nucleotide variant.
Coding change: c.3614G>A on transcript NM_006059.4 (MANE Select); coding-DNA position 3614, G replaced by A.
Protein change: p.Arg1205Gln; replaces arginine 1205 with glutamine.
Molecular consequence: missense variant.
Genome position (GRCh38, 1-based): chr9:131,075,950, G>A. VCF-style: chr9-131075950-G-A. GRCh37 (hg19) VCF-style: chr9-133951337-G-A.
Other names: short protein forms R1205Q.
Identifiers: ClinVar variation 2982740 (VCV002982740.2), dbSNP rs550724439, ClinGen allele CA5287860.

ClinVar aggregate classification (germline): Uncertain significance (1 of 4 stars; one submission).

Allele frequency attached by ClinVar (database versions not stated): ExAC 0.00001; gnomAD 0.00001; gnomAD exomes 0.00001; TOPMed 0.00004; 1000 Genomes Project 0.00020; 1000 Genomes Project 30x 0.00031.
gnomAD v4.1: 13 of 1,608,782 alleles (0.00081%); highest among the groups gnomAD compares: African/African-American, 0.0053%; no homozygotes.

Submission:

Labcorp Genetics (formerly Invitae), Labcorp
Classification: Uncertain significance. Last evaluated: 2022-10-27. Review status: criteria provided, single submitter. Criteria: Invitae Variant Classification Sherloc (09022015). Collection method: clinical testing. Allele origin: germline.
Comment: This sequence change replaces arginine, which is basic and polar, with glutamine, which is neutral and polar, at codon 1205 of the LAMC3 protein (p.Arg1205Gln). This variant is present in population databases (rs550724439, gnomAD 0.007%). This variant has not been reported in the literature in individuals affected with LAMC3-related conditions. Algorithms developed to predict the effect of missense changes on protein structure and function output the following: SIFT: "Tolerated"; PolyPhen-2: "Benign"; Align-GVGD: "Class C0". The glutamine amino acid residue is found in multiple mammalian species, which suggests that this missense change does not adversely affect protein function. In summary, the available evidence is currently insufficient to determine the role of this variant in disease. Therefore, it has been classified as a Variant of Uncertain Significance.